The following is an entry in ClinVar:

NM_000256.3(MYBPC3):c.458C>A (p.Pro153His)

Gene: MYBPC3 (myosin binding protein C3; minus strand). Cytogenetic location: 11p11.2.
Variant type: single nucleotide variant.
Coding change: c.458C>A on transcript NM_000256.3 (MANE Select); coding-DNA position 458, C replaced by A.
Protein change: p.Pro153His; replaces proline 153 with histidine.
Molecular consequence: missense variant.
Genome position (GRCh38, 1-based): chr11:47,350,061, G>T on the plus strand (C>A on the coding strand, the complement: MYBPC3 is on the minus strand). VCF-style: chr11-47350061-G-T. GRCh37 (hg19) VCF-style: chr11-47371612-G-T.
Other names: c.458C>A, p.Pro153His (LRG_386t1); short protein forms P153H.
Identifiers: ClinVar variation 373775 (VCV000373775.17), dbSNP rs756328813, ClinGen allele CA055457.

ClinVar aggregate classification (germline): Uncertain significance. Review status: criteria provided, multiple submitters, no conflicts (2 of 4 stars). 7 submissions from 7 submitters: Uncertain significance (7). Last evaluated 2026-08-06.

Conditions:
Hypertrophic cardiomyopathy 4. Also called: Familial hypertrophic cardiomyopathy 4. Identifiers: MedGen C1861862, MONDO:0007268, OMIM 115197.
Cardiomyopathy (CMYO). Also called: Cardiomyopathies. Identifiers: Orphanet 167848, MedGen C0878544, MONDO:0004994, HP:0001638. Inheritance: Various modes of inheritance.
MYBPC3-related disorder. Also called: MYBPC3-related condition; MYBPC3-related disease; MYBPC3-related disorders.
Cardiovascular phenotype. Identifiers: MedGen CN230736.
Hypertrophic cardiomyopathy. Also called: HYPERTROPHIC MYOCARDIOPATHY. Identifiers: Orphanet 217569, MedGen C0007194, MeSH D002312, MONDO:0005045, HP:0001639.

Allele frequency attached by ClinVar (database versions not stated): ExAC below 0.00001; TOPMed 0.00001.
gnomAD v4.1: 15 of 1,563,338 alleles (0.00096%); highest among the groups gnomAD compares: Admixed American, 0.0038%; no homozygotes.

Submissions (7):

OLLIN Analises Genomicas, OLLIN
Classification: Uncertain significance for Hypertrophic cardiomyopathy 4. Last evaluated: 2026-08-06. Review status: criteria provided, single submitter. Criteria: ACMG Guidelines 2015 PMID 25741868. Collection method: clinical testing. Allele origin: germline. Inheritance: Autosomal dominant inheritance.
Comment: This missense variant, located in exon 4 (of 35), has been reported in ClinVar (accession VCV000373775.16) and in gnomAD with an allele frequency of 0.00096%. However, to our knowledge, it has not been reported in the scientific literature. In silico analysis predicts that this variant has a tolerated effect. According to the currently available evidence, this variant has been classified as uncertain significance (BP4).

PreventionGenetics, part of Exact Sciences
Classification: Uncertain significance for MYBPC3-related condition. Last evaluated: 2026-01-28. Review status: criteria provided, single submitter. Criteria: ACMG Guidelines, 2015. Collection method: clinical testing. Allele origin: germline.
Comment: The MYBPC3 c.458C>A variant is predicted to result in the amino acid substitution p.Pro153His. In the same family, a nonsense variant in MYBPC3 was identified in an unaffected sibling, although the affected father was not available for genetic testing (Family V, Cardoso et al. 2017. PubMed ID: 28214152). This variant has not been reported in a large population database (gnomAD), indicating this variant is rare. At this time, the clinical significance of this variant is uncertain due to the absence of conclusive functional and genetic evidence.

Labcorp Genetics (formerly Invitae), Labcorp
Classification: Uncertain significance for Hypertrophic cardiomyopathy. Last evaluated: 2025-05-13. Review status: criteria provided, single submitter. Criteria: Invitae Variant Classification Sherloc (09022015). Collection method: clinical testing. Allele origin: germline.
Comment: This sequence change replaces proline, which is neutral and non-polar, with histidine, which is basic and polar, at codon 153 of the MYBPC3 protein (p.Pro153His). This variant is not present in population databases (gnomAD no frequency). This variant has not been reported in the literature in individuals affected with MYBPC3-related conditions. ClinVar contains an entry for this variant (Variation ID: 373775). An algorithm developed to predict the effect of missense changes on protein structure and function (PolyPhen-2) suggests that this variant is likely to be disruptive. In summary, the available evidence is currently insufficient to determine the role of this variant in disease. Therefore, it has been classified as a Variant of Uncertain Significance.

All of Us Research Program, National Institutes of Health
Classification: Uncertain significance for Hypertrophic cardiomyopathy. Last evaluated: 2023-05-15. Review status: criteria provided, single submitter. Criteria: ACMG Guidelines, 2015. Collection method: clinical testing. Allele origin: germline. Inheritance: Autosomal dominant inheritance. Observed: 1 variant allele, 1 heterozygote.
Comment: This missense variant replaces proline with histidine at codon 153 of the MYBPC3 protein. Computational prediction suggests that this variant may not impact protein structure and function (internally defined REVEL score threshold <= 0.5, PMID: 27666373). Splice site prediction tools suggest that this variant may not impact RNA splicing. To our knowledge, functional studies have not been performed for this variant. This variant has not been reported in individuals affected with cardiovascular disorders in the literature. This variant has not been identified in the general population by the Genome Aggregation Database (gnomAD). The available evidence is insufficient to determine the role of this variant in disease conclusively. Therefore, this variant is classified as a Variant of Uncertain Significance.

This study involves interpretation of variants in research participants for the purpose of population health screening. Participant phenotype was not available at the time of variant classification. Additional details can be found in publication PMID: 35346344, PMCID: PMC8962531

Color Diagnostics, LLC DBA Color Health
Classification: Uncertain significance for Cardiomyopathy. Last evaluated: 2019-12-02. Review status: criteria provided, single submitter. Criteria: ACMG Guidelines, 2015. Collection method: clinical testing. Allele origin: germline.
Comment: This missense variant replaces proline with histidine at codon 153 of the MYBPC3 protein. Computational prediction suggests that this variant may not impact protein structure and function (internally defined REVEL score threshold <= 0.5, PMID: 27666373). Splice site prediction tools suggest that this variant may not impact RNA splicing. To our knowledge, functional studies have not been performed for this variant. This variant has not been reported in individuals affected with cardiovascular disorders in the literature. This variant has not been identified in the general population by the Genome Aggregation Database (gnomAD). The available evidence is insufficient to determine the role of this variant in disease conclusively. Therefore, this variant is classified as a Variant of Uncertain Significance.

Ambry Genetics
Classification: Uncertain significance for Cardiovascular phenotype. Last evaluated: 2019-08-21. Review status: criteria provided, single submitter. Criteria: Ambry Variant Classification Scheme 2023. Collection method: clinical testing. Allele origin: germline.
Comment: The p.P153H variant (also known as c.458C>A), located in coding exon 4 of the MYBPC3 gene, results from a C to A substitution at nucleotide position 458. The proline at codon 153 is replaced by histidine, an amino acid with similar properties. This amino acid position is not well conserved in available vertebrate species. In addition, this alteration is predicted to be tolerated by in silico analysis. Since supporting evidence is limited at this time, the clinical significance of this alteration remains unclear.

GeneDx
Classification: Uncertain significance. Last evaluated: 2016-12-08. Review status: criteria provided, single submitter. Criteria: GeneDx Variant Classification (06012015). Collection method: clinical testing. Allele origin: germline. Affected: yes.
Comment: The P153H variant in the MYBPC3 gene has not been reported previously as a pathogenic variant, nor as a benign variant, to our knowledge. The P153H variant was not observed in approximately 6200 individuals of European and African American ancestry in the NHLBI Exome Sequencing Project, indicating it is not a common benign variant in these populations. The P153H variant is a non-conservative amino acid substitution, which is likely to impact secondary protein structure as these residues differ in polarity, charge, size and/or other properties. This substitution occurs at a position that is conserved in mammals. In silico analysis predicts this variant is probably damaging to the protein structure/function. We interpret P153H as a variant of uncertain significance

Literature cited by the submitters: PubMed 28214152 (cited by Ambry Genetics).